The following is an entry in ClinVar:

ClinVar aggregate classification (germline): Uncertain significance (1 of 4 stars; one submission).

Conditions:
Cardiovascular phenotype. Identifiers: MedGen CN230736.

gnomAD v4.1: 1 of 1,613,904 alleles (0.000062%); highest among the groups gnomAD compares: African/African-American, 0.0013%; no homozygotes.

Submission:

Ambry Genetics
Classification: Uncertain significance for Cardiovascular phenotype. Last evaluated: 2022-12-09. Review status: criteria provided, single submitter. Criteria: Ambry Variant Classification Scheme 2023. Collection method: clinical testing. Allele origin: germline.
Comment: The p.G524R variant (also known as c.1570G>A), located in coding exon 11 of the SCN10A gene, results from a G to A substitution at nucleotide position 1570. The glycine at codon 524 is replaced by arginine, an amino acid with dissimilar properties. This amino acid position is conserved. In addition, the in silico prediction for this alteration is inconclusive. Since supporting evidence is limited at this time, the clinical significance of this alteration remains unclear.

NM_006514.4(SCN10A):c.1570G>A (p.Gly524Arg)

Gene: SCN10A (sodium voltage-gated channel alpha subunit 10; minus strand). Cytogenetic location: 3p22.2.
Variant type: single nucleotide variant.
Coding change: c.1570G>A on transcript NM_006514.4 (MANE Select); coding-DNA position 1570, G replaced by A.
Protein change: p.Gly524Arg; replaces glycine 524 with arginine.
Molecular consequence: missense variant. On other transcripts: intron variant (1).
Genome position (GRCh38, 1-based): chr3:38,752,404, C>T on the plus strand (G>A on the coding strand, the complement: SCN10A is on the minus strand). VCF-style: chr3-38752404-C-T. GRCh37 (hg19) VCF-style: chr3-38793895-C-T.
Other names: c.1570G>A, p.Gly524Arg (NM_001293306.2); c.1462-2220G>A (NM_001293307.2); short protein forms G524R.
Identifiers: ClinVar variation 2448839 (VCV002448839.2), dbSNP rs2470777220, ClinGen allele CA352167541.